The following is an entry in ClinVar:

NM_016333.4(SRRM2):c.4892C>G (p.Ala1631Gly)

Gene: SRRM2 (serine/arginine repetitive matrix 2; plus strand). Cytogenetic location: 16p13.3.
Variant type: single nucleotide variant.
Coding change: c.4892C>G on transcript NM_016333.4 (MANE Select); coding-DNA position 4892, C replaced by G.
Protein change: p.Ala1631Gly; replaces alanine 1631 with glycine.
Molecular consequence: missense variant.
Genome position (GRCh38, 1-based): chr16:2,765,420, C>G. VCF-style: chr16-2765420-C-G. GRCh37 (hg19) VCF-style: chr16-2815421-C-G.
Other names: short protein forms A1631G.
Identifiers: ClinVar variation 3239398 (VCV003239398.19), dbSNP rs2505610385.

ClinVar aggregate classification (germline): Uncertain significance (1 of 4 stars; one submission).

Allele frequency attached by ClinVar (database versions not stated): gnomAD exomes below 0.00001.
gnomAD v4.1: 2 of 1,614,170 alleles (0.00012%); highest among the groups gnomAD compares: Non-Finnish European, 0.00017%; no homozygotes.

Submission:

CeGaT Center for Human Genetics Tuebingen
Classification: Uncertain significance. Last evaluated: 2024-05-01. Review status: criteria provided, single submitter. Criteria: CeGaT Center For Human Genetics Tuebingen Variant Classification Criteria Version 2. Collection method: clinical testing. Allele origin: germline. Affected: yes. Observed: 1 variant allele.
Comment: SRRM2: PM2, BP4